The following is an entry in ClinVar:

ClinVar aggregate classification (germline): Likely benign. Review status: criteria provided, multiple submitters, no conflicts (2 of 4 stars). 3 submissions from 3 submitters: Likely benign (2). 1 of the submissions does not count toward it. Last evaluated 2019-12-31.

Conditions:
XIRP2-related disorder. Also called: XIRP2-related condition.

Allele frequency attached by ClinVar (database versions not stated): gnomAD exomes 0.00033; ExAC 0.00072; ESP Exome Variant Server 0.00265; gnomAD 0.00274 and 0.00288; 1000 Genomes Project 30x 0.00297; 1000 Genomes Project 0.00319; TOPMed 0.00326.
gnomAD v4.1: 901 of 1,608,136 alleles (0.056%); highest among the groups gnomAD compares: African/African-American, 0.97%; 4 homozygotes.

Submissions (3):

Labcorp Genetics (formerly Invitae), Labcorp
Classification: Likely benign. Last evaluated: 2019-12-31. Review status: criteria provided, single submitter. Criteria: Invitae Variant Classification Sherloc (09022015). Collection method: clinical testing. Allele origin: germline.

Breakthrough Genomics
Classification: Likely benign. Review status: criteria provided, single submitter. Criteria: ACMG Guidelines, 2015. Collection method: not provided. Allele origin: germline. Inheritance: Unknown mechanism. Affected: yes.

PreventionGenetics, part of Exact Sciences
Classification: Benign for XIRP2-related condition. Last evaluated: 2019-10-28. Review status: no assertion criteria provided. Collection method: clinical testing. Allele origin: germline. Not counted in ClinVar's aggregate classification.
Comment: This variant is classified as benign based on ACMG/AMP sequence variant interpretation guidelines (Richards et al. 2015 PMID: 25741868, with internal and published modifications).

NM_152381.6(XIRP2):c.793G>A (p.Glu265Lys)

Gene: XIRP2 (xin actin binding repeat containing 2; plus strand). Cytogenetic location: 2q24.3.
Variant type: single nucleotide variant.
Coding change: c.793G>A on transcript NM_152381.6 (MANE Select); coding-DNA position 793, G replaced by A.
Protein change: p.Glu265Lys; replaces glutamic acid 265 with lysine.
Molecular consequence: missense variant.
Genome position (GRCh38, 1-based): chr2:167,218,235, G>A. VCF-style: chr2-167218235-G-A. GRCh37 (hg19) VCF-style: chr2-168074745-G-A.
Other names: c.793G>A, p.Glu265Lys (NM_001079810.4); c.892G>A, p.Glu298Lys (NM_001199143.2); c.127G>A, p.Glu43Lys (NM_001199144.2, NM_001199145.2); c.793G>A (NM_152381.5); short protein forms E265K, E298K, E43K.
Identifiers: ClinVar variation 729114 (VCV000729114.7), dbSNP rs184246616, ClinGen allele CA1946272.